The following is an entry in ClinVar:

NM_182961.4(SYNE1):c.23301+1G>A

Gene: SYNE1 (spectrin repeat containing nuclear envelope protein 1; minus strand). Cytogenetic location: 6q25.2.
Variant type: single nucleotide variant.
Coding change: c.23301+1G>A on transcript NM_182961.4 (MANE Select); the canonical splice donor site of the intron after coding-DNA position 23301, G replaced by A.
Molecular consequence: splice donor variant.
Genome position (GRCh38, 1-based): chr6:152,189,251, C>T on the plus strand (G>A on the coding strand, the complement: SYNE1 is on the minus strand). VCF-style: chr6-152189251-C-T. GRCh37 (hg19) VCF-style: chr6-152510386-C-T.
Other names: c.23088+1G>A (NM_033071.5).
Identifiers: ClinVar variation 3760019 (VCV003760019.2).

ClinVar aggregate classification (germline): Likely pathogenic (1 of 4 stars; one submission).

Conditions:
Emery-Dreifuss muscular dystrophy 4, autosomal dominant (EDMD4). Also called: EMERY-DREIFUSS MUSCULAR DYSTROPHY 4 WITH VARIABLE FEATURES. Identifiers: Orphanet 261, MedGen C2751807, MONDO:0013071, OMIM 612998.
Autosomal recessive ataxia, Beauce type. Also called: Spinocerebellar ataxia, autosomal recessive 8; ATAXIA, RECESSIVE, OF BEAUCE; SYNE1-Related Autosomal Recessive Cerebellar Ataxia; SYNE1 Deficiency. Identifiers: Orphanet 88644, MedGen C1853116, MONDO:0012549, OMIM 610743.

Submission:

Labcorp Genetics (formerly Invitae), Labcorp
Classification: Likely pathogenic for Emery-Dreifuss muscular dystrophy 4, autosomal dominant; Autosomal recessive ataxia, Beauce type. Last evaluated: 2024-12-12. Review status: criteria provided, single submitter. Criteria: Invitae Variant Classification Sherloc (09022015). Collection method: clinical testing. Allele origin: germline.
Comment: This sequence change affects a donor splice site in intron 127 of the SYNE1 gene. It is expected to disrupt RNA splicing. Variants that disrupt the donor or acceptor splice site typically lead to a loss of protein function (PMID: 16199547), and loss-of-function variants in SYNE1 are known to be pathogenic (PMID: 19542096, 24319099, 27086870). This variant is not present in population databases (gnomAD no frequency). This variant has not been reported in the literature in individuals affected with SYNE1-related conditions. Algorithms developed to predict the effect of sequence changes on RNA splicing suggest that this variant may disrupt the consensus splice site. In summary, the currently available evidence indicates that the variant is pathogenic, but additional data are needed to prove that conclusively. Therefore, this variant has been classified as Likely Pathogenic.

Literature cited by the submitters: PubMed 16199547; PubMed 19542096; PubMed 24319099; PubMed 27086870.